The following is an entry in ClinVar:

NM_005751.5(AKAP9):c.-214CGG[6]

Gene: AKAP9 (A-kinase anchoring protein 9; plus strand). Cytogenetic location: 7q21.2.
Variant type: Microsatellite.
Coding change: c.-214CGG[6] on transcript NM_005751.5 (MANE Select); six copies in a row of the 3-base unit CGG starting at c.-214; the reference has five copies in a row; one copy, 3 bases duplicated.
Molecular consequence: 5 prime UTR variant.
Genome position (GRCh38, 1-based): chr7:91,940,898-91,940,900, CGG duplicated; duplicating any 3 consecutive bases within chr7:91,940,884-91,940,900 gives the same sequence; the position shown is the placement nearest the transcript's 3' end. VCF-style (leftmost placement, unchanged base first): chr7-91940883-T-TGGC. GRCh37 (hg19) VCF-style: chr7-91570197-T-TGGC.
Other names: c.-214CGG[6] (NM_147185.3).
Identifiers: ClinVar variation 360806 (VCV000360806.35), dbSNP rs371245265, ClinGen allele CA10629549.

ClinVar aggregate classification (germline): Benign/Likely benign. Review status: criteria provided, multiple submitters, no conflicts (2 of 4 stars). 2 submissions from 2 submitters: Benign (1); Likely benign (1). Last evaluated 2023-05-01.

Submissions (2):

CeGaT Center for Human Genetics Tuebingen
Classification: Benign. Last evaluated: 2023-05-01. Review status: criteria provided, single submitter. Criteria: CeGaT Center For Human Genetics Tuebingen Variant Classification Criteria Version 2. Collection method: clinical testing. Allele origin: germline. Affected: yes. Observed: 6 variant alleles.
Comment: AKAP9: BS1, BS2

GeneDx
Classification: Likely benign. Last evaluated: 2020-05-30. Review status: criteria provided, single submitter. Criteria: GeneDx Variant Classification Process June 2021. Collection method: clinical testing. Allele origin: germline. Affected: yes.